The following is an entry in ClinVar:

ClinVar aggregate classification (germline): Uncertain significance (1 of 4 stars; one submission).

Conditions:
Tyrosinemia type I (TYRSN1). Also called: Deficiency of fumarylacetoacetase; FAH DEFICIENCY; Tyrosinemia type 1; Fumarylacetoacetase deficiency; HEPATORENAL TYROSINEMIA. Identifiers: Orphanet 882, MedGen C0268490, MONDO:0010161, OMIM 276700. Disease mechanism: loss of function.

Allele frequency attached by ClinVar (database versions not stated): ExAC 0.00001.

Submission:

Labcorp Genetics (formerly Invitae), Labcorp
Classification: Uncertain significance for Tyrosinemia type I. Last evaluated: 2024-06-10. Review status: criteria provided, single submitter. Criteria: Invitae Variant Classification Sherloc (09022015). Collection method: clinical testing. Allele origin: germline.
Comment: This sequence change replaces glutamine, which is neutral and polar, with arginine, which is basic and polar, at codon 75 of the FAH protein (p.Gln75Arg). This variant is present in population databases (rs772218801, gnomAD 0.003%). This variant has not been reported in the literature in individuals affected with FAH-related conditions. ClinVar contains an entry for this variant (Variation ID: 1951942). Advanced modeling of protein sequence and biophysical properties (such as structural, functional, and spatial information, amino acid conservation, physicochemical variation, residue mobility, and thermodynamic stability) performed at Invitae indicates that this missense variant is not expected to disrupt FAH protein function with a negative predictive value of 80%. In summary, the available evidence is currently insufficient to determine the role of this variant in disease. Therefore, it has been classified as a Variant of Uncertain Significance.

NM_000137.4(FAH):c.224A>G (p.Gln75Arg)

Gene: FAH (fumarylacetoacetate hydrolase; plus strand). Cytogenetic location: 15q25.1.
Variant type: single nucleotide variant.
Coding change: c.224A>G on transcript NM_000137.4 (MANE Select); coding-DNA position 224, A replaced by G.
Protein change: p.Gln75Arg; replaces glutamine 75 with arginine.
Molecular consequence: missense variant.
Genome position (GRCh38, 1-based): chr15:80,159,787, A>G. VCF-style: chr15-80159787-A-G. GRCh37 (hg19) VCF-style: chr15-80452129-A-G.
Other names: c.224A>G, p.Gln75Arg (NM_001374377.1, NM_001374380.1); short protein forms Q75R.
Identifiers: ClinVar variation 1951942 (VCV001951942.5), dbSNP rs772218801, ClinGen allele CA7691062.